The following is an entry in ClinVar:

NM_001355197.2(ZNF66):c.684G>C (p.Arg228=)

Gene: ZNF66 (zinc finger protein 66; plus strand). Cytogenetic location: 19p12.
Variant type: single nucleotide variant.
Coding change: c.684G>C on transcript NM_001355197.2 (MANE Select); coding-DNA position 684, G replaced by C.
Protein change: p.Arg228=; no amino-acid change (arginine 228 retained).
Molecular consequence: synonymous variant.
Genome position (GRCh38, 1-based): chr19:20,806,284, G>C. VCF-style: chr19-20806284-G-C. GRCh37 (hg19) VCF-style: chr19-20989090-G-C.
Identifiers: ClinVar variation 4872058 (VCV004872058.2).

ClinVar aggregate classification (germline): Likely benign (1 of 4 stars; one submission).

Submission:

CeGaT Center for Human Genetics Tuebingen
Classification: Likely benign. Last evaluated: 2026-05-01. Review status: criteria provided, single submitter. Criteria: CeGaT Center For Human Genetics Tuebingen Variant Classification Criteria Version 2. Collection method: clinical testing. Allele origin: germline. Affected: yes. Observed: 1 variant allele.
Comment: ZNF66: BP4, BP7